The following is an entry in ClinVar:

NM_015602.4(TOR1AIP1):c.1334A>T (p.Asp445Val)

Gene: TOR1AIP1 (torsin 1A interacting protein 1; plus strand). Cytogenetic location: 1q25.2.
Variant type: single nucleotide variant.
Coding change: c.1334A>T on transcript NM_015602.4 (MANE Select); coding-DNA position 1334, A replaced by T.
Protein change: p.Asp445Val; replaces aspartic acid 445 with valine.
Molecular consequence: missense variant.
Genome position (GRCh38, 1-based): chr1:179,917,821, A>T. VCF-style: chr1-179917821-A-T. GRCh37 (hg19) VCF-style: chr1-179886956-A-T.
Other names: c.1337A>T, p.Asp446Val (NM_001267578.2); short protein forms D445V, D446V.
Identifiers: ClinVar variation 2059927 (VCV002059927.4), dbSNP rs2526651505, ClinGen allele CA343574334.

ClinVar aggregate classification (germline): Uncertain significance (1 of 4 stars; one submission).

Conditions:
Autosomal recessive limb-girdle muscular dystrophy type 2Y (MRRSDC). Also called: Muscular dystrophy, autosomal recessive, with rigid spine and distal joint contractures; Muscular dystrophy, limb-girdle, type 2y. Identifiers: Orphanet 424261, MedGen C4511482, MONDO:0014900, OMIM 617072.

Submission:

Labcorp Genetics (formerly Invitae), Labcorp
Classification: Uncertain significance for Autosomal recessive limb-girdle muscular dystrophy type 2Y. Last evaluated: 2021-12-25. Review status: criteria provided, single submitter. Criteria: Invitae Variant Classification Sherloc (09022015). Collection method: clinical testing. Allele origin: germline.
Comment: This variant is not present in population databases (gnomAD no frequency). This sequence change replaces aspartic acid, which is acidic and polar, with valine, which is neutral and non-polar, at codon 446 of the TOR1AIP1 protein (p.Asp446Val). This variant has not been reported in the literature in individuals affected with TOR1AIP1-related conditions. In summary, the available evidence is currently insufficient to determine the role of this variant in disease. Therefore, it has been classified as a Variant of Uncertain Significance. Algorithms developed to predict the effect of missense changes on protein structure and function (SIFT, PolyPhen-2, Align-GVGD) all suggest that this variant is likely to be disruptive.